The following is an entry in ClinVar:

ClinVar aggregate classification (germline): Uncertain significance. Review status: criteria provided, multiple submitters, no conflicts (2 of 4 stars). 2 submissions from 2 submitters: Uncertain significance (2). Last evaluated 2024-05-11.

Conditions:
Progressive familial heart block type IB (PFHB1B). Identifiers: Orphanet 871, MedGen C1970298, MONDO:0011474, OMIM 604559.
Cardiovascular phenotype. Identifiers: MedGen CN230736.

Submissions (2):

Ambry Genetics
Classification: Uncertain significance for Cardiovascular phenotype. Last evaluated: 2024-05-11. Review status: criteria provided, single submitter. Criteria: Ambry Variant Classification Scheme 2023. Collection method: clinical testing. Allele origin: germline.
Comment: The p.R645C variant (also known as c.1933C>T), located in coding exon 14 of the TRPM4 gene, results from a C to T substitution at nucleotide position 1933. The arginine at codon 645 is replaced by cysteine, an amino acid with highly dissimilar properties. This amino acid position is conserved. In addition, the in silico prediction for this alteration is inconclusive. Based on the available evidence, the clinical significance of this variant remains unclear.

Labcorp Genetics (formerly Invitae), Labcorp
Classification: Uncertain significance for Progressive familial heart block type IB. Last evaluated: 2021-05-06. Review status: criteria provided, single submitter. Criteria: Invitae Variant Classification Sherloc (09022015). Collection method: clinical testing. Allele origin: germline.
Comment: In summary, the available evidence is currently insufficient to determine the role of this variant in disease. Therefore, it has been classified as a Variant of Uncertain Significance. This sequence change replaces arginine with cysteine at codon 645 of the TRPM4 protein (p.Arg645Cys). The arginine residue is moderately conserved and there is a large physicochemical difference between arginine and cysteine. This variant is not present in population databases (ExAC no frequency). This variant has not been reported in the literature in individuals with TRPM4-related conditions. Algorithms developed to predict the effect of missense changes on protein structure and function are either unavailable or do not agree on the potential impact of this missense change (SIFT: "Deleterious"; PolyPhen-2: "Probably Damaging"; Align-GVGD: "Class C0").

NM_017636.4(TRPM4):c.1933C>T (p.Arg645Cys)

Gene: TRPM4 (transient receptor potential cation channel subfamily M member 4; plus strand). Cytogenetic location: 19q13.33.
Variant type: single nucleotide variant.
Coding change: c.1933C>T on transcript NM_017636.4 (MANE Select); coding-DNA position 1933, C replaced by T.
Protein change: p.Arg645Cys; replaces arginine 645 with cysteine.
Molecular consequence: missense variant.
Genome position (GRCh38, 1-based): chr19:49,189,005, C>T. VCF-style: chr19-49189005-C-T. GRCh37 (hg19) VCF-style: chr19-49692262-C-T.
Other names: c.1933C>T, p.Arg645Cys (NM_001195227.2); c.1588C>T, p.Arg530Cys (NM_001321281.2); c.325C>T, p.Arg109Cys (NM_001321282.2); c.1411C>T, p.Arg471Cys (NM_001321283.2); c.871C>T, p.Arg291Cys (NM_001321285.2); c.1933C>T (NM_017636.3); short protein forms R471C, R109C, R291C, R645C, R530C.
Identifiers: ClinVar variation 1482915 (VCV001482915.9), dbSNP rs2122985886, ClinGen allele CA406803833.
Genomic context (GRCh38, chr19:49,189,005, plus strand): 5'-GACCTCTTTGGCGAGTGCTATCGCAGCAGTGAGGTGAGGGCTGCCCGCCTCCTCCTCCGT[C>T]GCTGCCCGCTCTGGGGGGATGCCACTTGCCTCCAGCTGGCCATGCAAGCTGACGCCCGTG-3'
Protein context (NP_060106.2, residues 635-655): EVRAARLLLR[Arg645Cys]CPLWGDATCL